The following is an entry in ClinVar:

NM_003482.4(KMT2D):c.3180G>C (p.Lys1060Asn)

Gene: KMT2D (lysine methyltransferase 2D; minus strand). Cytogenetic location: 12q13.12.
Variant type: single nucleotide variant.
Coding change: c.3180G>C on transcript NM_003482.4 (MANE Select); coding-DNA position 3180, G replaced by C.
Protein change: p.Lys1060Asn; replaces lysine 1060 with asparagine.
Molecular consequence: missense variant.
Genome position (GRCh38, 1-based): chr12:49,050,408, C>G on the plus strand (G>C on the coding strand, the complement: KMT2D is on the minus strand). VCF-style: chr12-49050408-C-G. GRCh37 (hg19) VCF-style: chr12-49444191-C-G.
Other names: short protein forms K1060N.
Identifiers: ClinVar variation 4801253 (VCV004801253.1).

ClinVar aggregate classification (germline): Uncertain significance (1 of 4 stars; one submission).

Conditions:
Kabuki syndrome. Also called: NIIKAWA-KUROKI SYNDROME; Kabuki make-up syndrome. Identifiers: Orphanet 2322, MedGen C0796004, MONDO:0016512.

gnomAD v4.1: 1 of 1,613,668 alleles (0.000062%); no homozygotes.

Submission:

Labcorp Genetics (formerly Invitae), Labcorp
Classification: Uncertain significance for Kabuki syndrome. Last evaluated: 2025-03-18. Review status: criteria provided, single submitter. Criteria: Invitae Variant Classification Sherloc (09022015). Collection method: clinical testing. Allele origin: germline.
Comment: This sequence change replaces lysine, which is basic and polar, with asparagine, which is neutral and polar, at codon 1060 of the KMT2D protein (p.Lys1060Asn). This variant is not present in population databases (gnomAD no frequency). This variant has not been reported in the literature in individuals affected with KMT2D-related conditions. Invitae Evidence Modeling of protein sequence and biophysical properties (such as structural, functional, and spatial information, amino acid conservation, physicochemical variation, residue mobility, and thermodynamic stability) indicates that this missense variant is not expected to disrupt KMT2D protein function with a negative predictive value of 95%. In summary, the available evidence is currently insufficient to determine the role of this variant in disease. Therefore, it has been classified as a Variant of Uncertain Significance.